The following is an entry in ClinVar:

NM_002185.5(IL7R):c.498T>A (p.Asp166Glu)

Gene: IL7R (interleukin 7 receptor; plus strand). Cytogenetic location: 5p13.2.
Variant type: single nucleotide variant.
Coding change: c.498T>A on transcript NM_002185.5 (MANE Select); coding-DNA position 498, T replaced by A.
Protein change: p.Asp166Glu; replaces aspartic acid 166 with glutamic acid.
Molecular consequence: missense variant. On other transcripts: non-coding transcript variant (1).
Genome position (GRCh38, 1-based): chr5:35,871,174, T>A. VCF-style: chr5-35871174-T-A. GRCh37 (hg19) VCF-style: chr5-35871276-T-A.
Other names: short protein forms D166E.
Identifiers: ClinVar variation 1386158 (VCV001386158.8), dbSNP rs1368629105, ClinGen allele CA359430232.

ClinVar aggregate classification (germline): Uncertain significance (1 of 4 stars; one submission).

Conditions:
Immunodeficiency 104. Also called: Severe combined immunodeficiency, autosomal recessive, T cell-negative, B cell-positive, NK cell-positive; SCID, AUTOSOMAL RECESSIVE, T CELL-NEGATIVE, B CELL-POSITIVE, NK CELL-POSITIVE; Severe Combined Immune Deficiency, Autosomal Recessive, TCell -Negative, B Cell-Positive, NK Cell-Positive, IL7R-Related; IMMUNODEFICIENCY 104, SEVERE COMBINED. Identifiers: MedGen C5676890, MONDO:0012163, OMIM 608971.

Submission:

Labcorp Genetics (formerly Invitae), Labcorp
Classification: Uncertain significance for Immunodeficiency 104. Last evaluated: 2020-11-02. Review status: criteria provided, single submitter. Criteria: Invitae Variant Classification Sherloc (09022015). Collection method: clinical testing. Allele origin: germline.
Comment: This variant has not been reported in the literature in individuals with IL7R-related conditions. In summary, the available evidence is currently insufficient to determine the role of this variant in disease. Therefore, it has been classified as a Variant of Uncertain Significance. Advanced modeling of protein sequence and biophysical properties (such as structural, functional, and spatial information, amino acid conservation, physicochemical variation, residue mobility, and thermodynamic stability) performed at Invitae indicates that this missense variant is not expected to disrupt IL7R protein function. This variant is not present in population databases (ExAC no frequency). This sequence change replaces aspartic acid with glutamic acid at codon 166 of the IL7R protein (p.Asp166Glu). The aspartic acid residue is moderately conserved and there is a small physicochemical difference between aspartic acid and glutamic acid.